The following is an entry in ClinVar:

NM_000133.4(F9):c.944A>G (p.Asp315Gly)

Gene: F9 (coagulation factor IX; plus strand). Cytogenetic location: Xq27.1.
Variant type: single nucleotide variant.
Coding change: c.944A>G on transcript NM_000133.4 (MANE Select); coding-DNA position 944, A replaced by G.
Protein change: p.Asp315Gly; replaces aspartic acid 315 with glycine.
Molecular consequence: missense variant.
Genome position (GRCh38, 1-based): chrX:139,561,629, A>G. VCF-style: chrX-139561629-A-G. GRCh37 (hg19) VCF-style: chrX-138643788-A-G.
Other names: c.830A>G, p.Asp277Gly (NM_001313913.2); short protein forms D315G, D277G.
Identifiers: ClinVar variation 2925695 (VCV002925695.3), dbSNP rs1928107434, ClinGen allele CA414444885.

ClinVar aggregate classification (germline): Pathogenic (1 of 4 stars; one submission).

Conditions:
Thrombophilia, X-linked, due to factor 9 defect. Identifiers: MedGen C2749016, MONDO:0010432, OMIM 300807.
Hereditary factor IX deficiency disease (HEMB). Also called: F9 DEFICIENCY; FACTOR IX DEFICIENCY; PLASMA THROMBOPLASTIN COMPONENT DEFICIENCY; Hemophilia B; Christmas Disease. Identifiers: Orphanet 98879, MedGen C0008533, MeSH D002836, MONDO:0010604, OMIM 306900.

Allele frequency attached by ClinVar (database versions not stated): TOPMed 0.00001.

Submission:

Labcorp Genetics (formerly Invitae), Labcorp
Classification: Pathogenic for Thrombophilia, X-linked, due to factor 9 defect; Hereditary factor IX deficiency disease. Last evaluated: 2023-08-25. Review status: criteria provided, single submitter. Criteria: Invitae Variant Classification Sherloc (09022015). Collection method: clinical testing. Allele origin: germline.
Comment: For these reasons, this variant has been classified as Pathogenic. Advanced modeling of protein sequence and biophysical properties (such as structural, functional, and spatial information, amino acid conservation, physicochemical variation, residue mobility, and thermodynamic stability) performed at Invitae indicates that this missense variant is expected to disrupt F9 protein function. This variant is also known as 269D>G. This missense change has been observed in individuals with hemophilia B (PMID: 7937052, 19699296, 22544209). This variant is not present in population databases (gnomAD no frequency). This sequence change replaces aspartic acid, which is acidic and polar, with glycine, which is neutral and non-polar, at codon 315 of the F9 protein (p.Asp315Gly).

Literature cited by the submitters: PubMed 7937052; PubMed 19699296; PubMed 22544209.